The following continues an entry in ClinVar:

NM_000159.4(GCDH):c.769C>T (p.Arg257Trp)

Gene: GCDH. ClinVar aggregate classification (germline): Pathogenic/Likely pathogenic. Pathogenic (13); Likely pathogenic (1).

Submissions 13 to 17 of 17:

Juno Genomics, Hangzhou Juno Genomics, Inc
Classification: Pathogenic for Glutaric aciduria, type 1. Review status: criteria provided, single submitter. Criteria: ACMG Guidelines, 2015. Collection method: clinical testing. Allele origin: germline.
Comment: Absent from controls (or at extremely low frequency if recessive) in Genome Aggregation Database.;Well-established in vitro or in vivo functional studies supportive of a damaging effect on the gene or gene product.;For recessive disorders, detected in trans with a pathogenic variant.;Patient's phenotype or family history is highly specific for a disease with a single genetic etiology.

Suma Genomics
Classification: Likely pathogenic for Glutaric aciduria, type 1. Review status: criteria provided, single submitter. Criteria: ACMG Guidelines, 2015. Collection method: clinical testing. Allele origin: germline. Inheritance: Autosomal recessive inheritance. Affected: yes. Observed: 1 homozygote.

Counsyl
Classification: Likely pathogenic for Glutaric aciduria, type 1. Last evaluated: 2014-07-10. Review status: no assertion criteria provided. Collection method: literature only. Allele origin: unknown. Inheritance: Autosomal recessive inheritance. Not counted in ClinVar's aggregate classification.

Clinical Genetics DNA and cytogenetics Diagnostics Lab, Erasmus MC, Erasmus Medical Center
Classification: Likely pathogenic. Review status: no assertion criteria provided. Collection method: clinical testing. Allele origin: germline. Affected: yes. Study: VKGL Data-share Consensus. Not counted in ClinVar's aggregate classification.

Diagnostic Laboratory, Department of Genetics, University Medical Center Groningen
Classification: Pathogenic. Review status: no assertion criteria provided. Collection method: clinical testing. Allele origin: germline. Affected: yes. Study: VKGL Data-share Consensus. Not counted in ClinVar's aggregate classification.

Literature cited by the submitters: PubMed 9600243 (cited by 3 submitters); PubMed 10699052 (cited by Labcorp Genetics (formerly Invitae), Labcorp and Mayo Clinic Laboratories, Mayo Clinic); PubMed 15505393 (cited by 3 submitters); PubMed 18683078 (cited by 3 submitters); PubMed 19433437 (cited by 3 submitters); PubMed 21176883 (cited by 4 submitters); PubMed 21228398 (cited by 3 submitters); PubMed 22728054 (cited by 3 submitters); PubMed 24332224 (cited by 5 submitters); PubMed 25762492 (cited by 4 submitters); PubMed 16377226 (cited by Mayo Clinic Laboratories, Mayo Clinic); PubMed 24795062 (cited by Mayo Clinic Laboratories, Mayo Clinic); PubMed 27397597 (cited by Mayo Clinic Laboratories, Mayo Clinic); PubMed 28062662 (cited by Mayo Clinic Laboratories, Mayo Clinic); PubMed 30904546 (cited by Mayo Clinic Laboratories, Mayo Clinic and Women's Health and Genetics/Laboratory Corporation of America, LabCorp); PubMed 35662016 (cited by Mayo Clinic Laboratories, Mayo Clinic); PubMed 31536184 (cited by Victorian Clinical Genetics Services, Murdoch Childrens Research Institute); PubMed 34207159 (cited by Victorian Clinical Genetics Services, Murdoch Childrens Research Institute); PubMed 34344405 (cited by Victorian Clinical Genetics Services, Murdoch Childrens Research Institute).